The following is an entry in ClinVar:

NM_000535.7(PMS2):c.1442C>G (p.Pro481Arg)

Gene: PMS2 (PMS1 homolog 2, mismatch repair system component; minus strand). Cytogenetic location: 7p22.1.
Variant type: single nucleotide variant.
Coding change: c.1442C>G on transcript NM_000535.7 (MANE Select); coding-DNA position 1442, C replaced by G.
Protein change: p.Pro481Arg; replaces proline 481 with arginine.
Molecular consequence: missense variant. On other transcripts: non-coding transcript variant (1), intron variant (1).
Genome position (GRCh38, 1-based): chr7:5,987,323, G>C on the plus strand (C>G on the coding strand, the complement: PMS2 is on the minus strand). VCF-style: chr7-5987323-G-C. GRCh37 (hg19) VCF-style: chr7-6026954-G-C.
Other names: c.1037C>G, p.Pro346Arg (NM_001018040.1, NM_001322003.2, NM_001322004.2 and 17 more transcripts); c.1286C>G, p.Pro429Arg (NM_001322006.2, NM_001406870.1); c.1124C>G, p.Pro375Arg (NM_001322007.2, NM_001322008.2, NM_001406876.1 and 2 more transcripts); c.881C>G, p.Pro294Arg (NM_001322010.2, NM_001406906.1, NM_001406907.1); c.509C>G, p.Pro170Arg (NM_001322011.2, NM_001322012.2); c.869C>G, p.Pro290Arg (NM_001322013.2, NM_001406909.1); c.1442C>G, p.Pro481Arg (NM_001322014.2, NM_001406871.1, NM_001406872.1); c.1133C>G, p.Pro378Arg (NM_001322015.2, NM_001406875.1, NM_001406877.1 and 5 more transcripts); and 13 more; short protein forms P425R, P429R, P224R, P294R, P310R, P346R, P359R, P373R.
Identifiers: ClinVar variation 2451619 (VCV002451619.5), dbSNP rs1168365577, ClinGen allele CA366741970.

ClinVar aggregate classification (germline): Uncertain significance. Review status: criteria provided, multiple submitters, no conflicts (2 of 4 stars). 2 submissions from 2 submitters: Uncertain significance (2). Last evaluated 2023-11-20.

Conditions:
Hereditary cancer-predisposing syndrome. Also called: Neoplastic Syndromes, Hereditary; Tumor predisposition; Hereditary neoplastic syndrome; Hereditary Cancer Syndrome. Identifiers: Orphanet 140162, MedGen C0027672, MeSH D009386, MONDO:0015356.
Hereditary nonpolyposis colorectal neoplasms. Identifiers: MedGen C0009405, MeSH D003123.

Submissions (2):

Labcorp Genetics (formerly Invitae), Labcorp
Classification: Uncertain significance for Hereditary nonpolyposis colorectal neoplasms. Last evaluated: 2023-11-20. Review status: criteria provided, single submitter. Criteria: Invitae Variant Classification Sherloc (09022015). Collection method: clinical testing. Allele origin: germline.
Comment: This sequence change replaces proline, which is neutral and non-polar, with arginine, which is basic and polar, at codon 481 of the PMS2 protein (p.Pro481Arg). This variant is not present in population databases (gnomAD no frequency). This variant has not been reported in the literature in individuals affected with PMS2-related conditions. ClinVar contains an entry for this variant (Variation ID: 2451619). Advanced modeling of protein sequence and biophysical properties (such as structural, functional, and spatial information, amino acid conservation, physicochemical variation, residue mobility, and thermodynamic stability) performed at Invitae indicates that this missense variant is not expected to disrupt PMS2 protein function with a negative predictive value of 80%. In summary, the available evidence is currently insufficient to determine the role of this variant in disease. Therefore, it has been classified as a Variant of Uncertain Significance.

Ambry Genetics
Classification: Uncertain significance for Hereditary cancer-predisposing syndrome. Last evaluated: 2023-01-22. Review status: criteria provided, single submitter. Criteria: Ambry Variant Classification Scheme 2023. Collection method: clinical testing. Allele origin: germline.
Comment: The p.P481R variant (also known as c.1442C>G), located in coding exon 11 of the PMS2 gene, results from a C to G substitution at nucleotide position 1442. The proline at codon 481 is replaced by arginine, an amino acid with dissimilar properties. This amino acid position is conserved. In addition, this alteration is predicted to be tolerated by in silico analysis. Since supporting evidence is limited at this time, the clinical significance of this alteration remains unclear.